The following is an entry in ClinVar:

ClinVar aggregate classification (germline): Uncertain significance. Review status: criteria provided, multiple submitters, no conflicts (2 of 4 stars). 2 submissions from 2 submitters: Uncertain significance (2). Last evaluated 2025-05-17.

Conditions:
Inborn genetic diseases. Identifiers: MedGen C0950123, MeSH D030342.
Cortical dysplasia-focal epilepsy syndrome (PTHSL1). Also called: Pitt-Hopkins-like syndrome 1. Identifiers: Orphanet 163681, Orphanet 221150, MedGen C2750246, MONDO:0012400, OMIM 610042.

Allele frequency attached by ClinVar (database versions not stated): ExAC 0.00001; gnomAD exomes 0.00001; TOPMed 0.00001.

Submissions (2):

Ambry Genetics
Classification: Uncertain significance for Inborn genetic diseases. Last evaluated: 2025-05-17. Review status: criteria provided, single submitter. Criteria: Ambry Variant Classification Scheme 2023. Collection method: clinical testing. Allele origin: germline.

Labcorp Genetics (formerly Invitae), Labcorp
Classification: Uncertain significance for Cortical dysplasia-focal epilepsy syndrome. Last evaluated: 2022-08-16. Review status: criteria provided, single submitter. Criteria: Invitae Variant Classification Sherloc (09022015). Collection method: clinical testing. Allele origin: germline.
Comment: This variant has not been reported in the literature in individuals affected with CNTNAP2-related conditions. This variant is present in population databases (rs768132735, gnomAD 0.0009%). This sequence change replaces alanine, which is neutral and non-polar, with threonine, which is neutral and polar, at codon 801 of the CNTNAP2 protein (p.Ala801Thr). Algorithms developed to predict the effect of missense changes on protein structure and function (SIFT, PolyPhen-2, Align-GVGD) all suggest that this variant is likely to be disruptive. In summary, the available evidence is currently insufficient to determine the role of this variant in disease. Therefore, it has been classified as a Variant of Uncertain Significance.

NM_014141.6(CNTNAP2):c.2401G>A (p.Ala801Thr)

Gene: CNTNAP2 (contactin associated protein 2; plus strand). Cytogenetic location: 7q35.
Variant type: single nucleotide variant.
Coding change: c.2401G>A on transcript NM_014141.6 (MANE Select); coding-DNA position 2401, G replaced by A.
Protein change: p.Ala801Thr; replaces alanine 801 with threonine.
Molecular consequence: missense variant.
Genome position (GRCh38, 1-based): chr7:148,118,135, G>A. VCF-style: chr7-148118135-G-A. GRCh37 (hg19) VCF-style: chr7-147815227-G-A.
Other names: c.2401G>A (NM_014141.5); short protein forms A801T.
Identifiers: ClinVar variation 2150815 (VCV002150815.3), dbSNP rs768132735, ClinGen allele CA4546400.